The following is an entry in ClinVar:

NM_001165963.4(SCN1A):c.4655G>A (p.Cys1552Tyr)

Genes: SCN1A (sodium voltage-gated channel alpha subunit 1; minus strand), LOC102724058 (uncharacterized LOC102724058; plus strand). Cytogenetic location: 2q24.3.
Variant type: single nucleotide variant.
Coding change: c.4655G>A on transcript NM_001165963.4 (MANE Select); coding-DNA position 4655, G replaced by A.
Protein change: p.Cys1552Tyr; replaces cysteine 1552 with tyrosine.
Molecular consequence: missense variant. On other transcripts: non-coding transcript variant (1).
Genome position (GRCh38, 1-based): chr2:165,994,343, C>T on the plus strand (G>A on the coding strand, the complement: SCN1A is on the minus strand). VCF-style: chr2-165994343-C-T. GRCh37 (hg19) VCF-style: chr2-166850853-C-T.
Other names: c.4571G>A, p.Cys1524Tyr (NM_001165964.3, NM_001353957.2, NM_001353958.2); c.4655G>A, p.Cys1552Tyr (NM_001202435.3, NM_001353948.2); c.4622G>A, p.Cys1541Tyr (NM_001353949.2, NM_001353950.2, NM_001353951.2 and 2 more transcripts); c.4619G>A, p.Cys1540Tyr (NM_001353954.2, NM_001353955.2); c.4568G>A, p.Cys1523Tyr (NM_001353960.2); c.2213G>A, p.Cys738Tyr (NM_001353961.2); short protein forms C1523Y, C1524Y, C1540Y, C1541Y, C1552Y, C738Y.
Identifiers: ClinVar variation 4292728 (VCV004292728.3).
Genomic context (GRCh38, chr2:165,994,343, plus strand): 5'-ATGGTAGTCACATATTCACTCTGGTCATCTGTTTCCACCATCATTGTGACCATGTTAAGA[C>T]AGATGAGAATCATGATGCTTATGTCAAAAACTTGTCTGGTTACGAAGTCAAAGACCATTC-3'
Protein context (NP_001159435.1, residues 1542-1562): VFDISIMILI[Cys1552Tyr]LNMVTMMVET

ClinVar aggregate classification (germline): Conflicting classifications of pathogenicity. Review status: criteria provided, conflicting classifications (1 of 4 stars). 3 submissions from 3 submitters: Likely pathogenic (2); Uncertain significance (1). Last evaluated 2025-09-16.

Conditions:
SCN1A-related disorder. Also called: SCN1A-related conditions; SCN1A-related condition; SCN1A-related disorders.
Early-infantile DEE. Also called: Early infantile epileptic encephalopathy; Ohtahara syndrome; Early infantile epileptic encephalopathy with suppression bursts. Identifiers: Orphanet 1934, MedGen C0393706, MONDO:0800491.
Severe myoclonic epilepsy in infancy (DRVT). Also called: SEVERE MYOCLONIC EPILEPSY OF INFANCY; Dravet syndrome; Epileptic encephalopathy, early infantile, 6 (Dravet syndrome); DEVELOPMENTAL AND EPILEPTIC ENCEPHALOPATHY 6A; Severe Myoclonic Epilepsy in Infancy (SMEI). Identifiers: Orphanet 33069, MedGen C0751122, MONDO:0100135, OMIM 607208.

Submissions (3):

Labcorp Genetics (formerly Invitae), Labcorp
Classification: Likely pathogenic for Early-infantile DEE. Last evaluated: 2025-09-16. Review status: criteria provided, single submitter. Criteria: Invitae Variant Classification Sherloc (09022015). Collection method: clinical testing. Allele origin: germline.
Comment: This sequence change replaces cysteine, which is neutral and slightly polar, with tyrosine, which is neutral and polar, at codon 1552 of the SCN1A protein (p.Cys1552Tyr). This variant is not present in population databases (gnomAD no frequency). This missense change has been observed in individual(s) with Dravet syndrome and/or seizures (PMID: 26438699; internal data). Invitae Evidence Modeling of protein sequence and biophysical properties (such as structural, functional, and spatial information, amino acid conservation, physicochemical variation, residue mobility, and thermodynamic stability) indicates that this missense variant is expected to disrupt SCN1A protein function with a positive predictive value of 95%. In summary, the currently available evidence indicates that the variant is pathogenic, but additional data are needed to prove that conclusively. Therefore, this variant has been classified as Likely Pathogenic.

3billion
Classification: Uncertain significance for Severe myoclonic epilepsy in infancy. Last evaluated: 2024-09-05. Review status: criteria provided, single submitter. Criteria: ACMG Guidelines, 2015. Collection method: clinical testing. Allele origin: germline. Affected: yes.
Comment: The variant is not observed in the gnomAD v4.0.0 dataset. Predicted Consequence/Location: Missense variant In silico tool predictions suggest damaging effect of the variant on gene or gene product [REVEL: 0.74 (>=0.6, sensitivity 0.68 and specificity 0.92); 3Cnet: 1.00 (>=0.6, sensitivity 0.72 and precision 0.9)]. The same nucleotide change resulting in the same amino acid change has been previously reported to be associated with SCN1A related disorder (PMID: 26438699). However, the evidence of pathogenicity is insufficient at this time. Therefore, this variant is classified as VUS according to the recommendation of ACMG/AMP guideline.

Blueprint Genetics
Classification: Likely pathogenic for SCN1A-related disorders. Last evaluated: 2023-05-25. Review status: criteria provided, single submitter. Criteria: ACMG Guidelines, 2015. Collection method: clinical testing. Allele origin: germline. Affected: yes. Observed: 1 variant allele.

Literature cited by the submitters: PubMed 26438699 (cited by Labcorp Genetics (formerly Invitae), Labcorp and 3billion).